The following is an entry in ClinVar:

NM_000484.4(APP):c.496C>G (p.His166Asp)

Gene: APP (amyloid beta precursor protein; minus strand). Cytogenetic location: 21q21.3.
Variant type: single nucleotide variant.
Coding change: c.496C>G on transcript NM_000484.4 (MANE Select); coding-DNA position 496, C replaced by G.
Protein change: p.His166Asp; replaces histidine 166 with aspartic acid.
Molecular consequence: missense variant.
Genome position (GRCh38, 1-based): chr21:26,051,166, G>C on the plus strand (C>G on the coding strand, the complement: APP is on the minus strand). VCF-style: chr21-26051166-G-C. GRCh37 (hg19) VCF-style: chr21-27423482-G-C.
Other names: c.481C>G, p.His161Asp (NM_001136016.3); c.328C>G, p.His110Asp (NM_001136129.3, NM_001136130.3); c.391C>G, p.His131Asp (NM_001136131.3); c.496C>G, p.His166Asp (NM_001204301.2, NM_001204302.2, NM_001204303.2 and 3 more transcripts); short protein forms H161D, H110D, H166D, H131D.
Identifiers: ClinVar variation 4737221 (VCV004737221.1).

ClinVar aggregate classification (germline): Uncertain significance (1 of 4 stars; one submission).

Conditions:
Alzheimer disease. Also called: Presenile and senile dementia; Alzheimer's disease. Identifiers: Orphanet 1020, MedGen C0002395, MeSH D000544, MONDO:0004975, HP:0002511.

gnomAD v4.1: 3 of 1,614,038 alleles (0.00019%); highest among the groups gnomAD compares: Non-Finnish European, 0.00025%; no homozygotes.

Submission:

Labcorp Genetics (formerly Invitae), Labcorp
Classification: Uncertain significance for Alzheimer disease. Last evaluated: 2025-12-08. Review status: criteria provided, single submitter. Criteria: Invitae Variant Classification Sherloc (09022015). Collection method: clinical testing. Allele origin: germline.
Comment: This sequence change replaces histidine, which is basic and polar, with aspartic acid, which is acidic and polar, at codon 166 of the APP protein (p.His166Asp). This variant is not present in population databases (gnomAD no frequency). This variant has not been reported in the literature in individuals affected with APP-related conditions. Invitae Evidence Modeling of protein sequence and biophysical properties (such as structural, functional, and spatial information, amino acid conservation, physicochemical variation, residue mobility, and thermodynamic stability) indicates that this missense variant is not expected to disrupt APP protein function with a negative predictive value of 95%. In summary, the available evidence is currently insufficient to determine the role of this variant in disease. Therefore, it has been classified as a Variant of Uncertain Significance.